The following is an entry in ClinVar:

ClinVar aggregate classification (germline): Uncertain significance. Review status: criteria provided, multiple submitters, no conflicts (2 of 4 stars). 2 submissions from 2 submitters: Uncertain significance (2). Last evaluated 2025-12-17.

Conditions:
XYLT2-related disorder. Also called: XYLT2-related condition.
Inborn genetic diseases. Identifiers: MedGen C0950123, MeSH D030342.

Allele frequency attached by ClinVar (database versions not stated): gnomAD 0.00001; TOPMed 0.00001; gnomAD exomes 0.00003; ExAC 0.00015.

Submissions (2):

PreventionGenetics, part of Exact Sciences
Classification: Uncertain significance for XYLT2-related condition. Last evaluated: 2025-12-17. Review status: criteria provided, single submitter. Criteria: ACMG Guidelines, 2015. Collection method: clinical testing. Allele origin: germline.
Comment: The XYLT2 c.299C>T variant is predicted to result in the amino acid substitution p.Thr100Ile. To our knowledge, this variant has not been reported in the literature. This variant is reported in 0.053% of alleles in individuals of South Asian descent in gnomAD. Although we suspect that this variant may be benign, at this time, the clinical significance of this variant is uncertain due to the absence of conclusive functional and genetic evidence.

Ambry Genetics
Classification: Uncertain significance for Inborn genetic diseases. Last evaluated: 2021-12-16. Review status: criteria provided, single submitter. Criteria: Ambry Variant Classification Scheme 2023. Collection method: clinical testing. Allele origin: germline.

NM_022167.4(XYLT2):c.299C>T (p.Thr100Ile)

Gene: XYLT2 (xylosyltransferase 2; plus strand). Cytogenetic location: 17q21.33.
Variant type: single nucleotide variant.
Coding change: c.299C>T on transcript NM_022167.4 (MANE Select); coding-DNA position 299, C replaced by T.
Protein change: p.Thr100Ile; replaces threonine 100 with isoleucine.
Molecular consequence: missense variant.
Genome position (GRCh38, 1-based): chr17:50,353,793, C>T. VCF-style: chr17-50353793-C-T. GRCh37 (hg19) VCF-style: chr17-48431154-C-T.
Other names: c.299C>T (NM_022167.3); short protein forms T100I.
Identifiers: ClinVar variation 2267625 (VCV002267625.3), dbSNP rs773514375, ClinGen allele CA8646127.
Genomic context (GRCh38, chr17:50,353,793, plus strand): 5'-GCTGGCGGGGCCGTGCTGAGAGCCCAGGAGTGCCCGTGGCCAAGGTGGTACGGGCAGTAA[C>T]CAGCCGGCAGAGAGCCAGCCGGCGGGTCCCACCTGCCCCACCCCCGGAAGCCCCAGGCCG-3'
Protein context (NP_071450.2, residues 90-110): VPVAKVVRAV[Thr100Ile]SRQRASRRVP